The following is an entry in ClinVar:

NM_017570.5(OPLAH):c.2964C>T (p.Asp988=)

Gene: OPLAH (5-oxoprolinase, ATP-hydrolysing; minus strand). Cytogenetic location: 8q24.3.
Variant type: single nucleotide variant.
Coding change: c.2964C>T on transcript NM_017570.5 (MANE Select); coding-DNA position 2964, C replaced by T.
Protein change: p.Asp988=; no amino-acid change (aspartic acid 988 retained).
Molecular consequence: synonymous variant.
Genome position (GRCh38, 1-based): chr8:144,053,037, G>A on the plus strand (C>T on the coding strand, the complement: OPLAH is on the minus strand). VCF-style: chr8-144053037-G-A. GRCh37 (hg19) VCF-style: chr8-145107940-G-A.
Identifiers: ClinVar variation 529417 (VCV000529417.20), dbSNP rs186192116, ClinGen allele CA4931275.

ClinVar aggregate classification (germline): Benign/Likely benign. Review status: criteria provided, multiple submitters, no conflicts (2 of 4 stars). 5 submissions from 5 submitters: Benign (1); Likely benign (4). Last evaluated 2026-09-22.

Conditions:
5-Oxoprolinase deficiency (OPLAHD). Also called: 5-OXOPROLINURIA DUE TO 5-OXOPROLINASE DEFICIENCY. Identifiers: Orphanet 33572, MedGen C0268525, MONDO:0009825, OMIM 260005, HP:0040142.
OPLAH-related disorder. Also called: OPLAH-related condition.

Allele frequency attached by ClinVar (database versions not stated): 1000 Genomes Project 30x 0.00078; 1000 Genomes Project 0.00080; TOPMed 0.00137; gnomAD 0.00142 and 0.00149; ESP Exome Variant Server 0.00166; gnomAD exomes 0.00243 and 0.00247; ExAC 0.00400.
gnomAD v4.1: 3,729 of 1,603,344 alleles (0.23%); highest among the groups gnomAD compares: South Asian, 0.7%; 9 homozygotes.

Submissions (5):

PreventionGenetics, part of Exact Sciences
Classification: Likely benign for OPLAH-related condition. Last evaluated: 2026-09-22. Review status: criteria provided, single submitter. Criteria: ACMG Guidelines, 2015. Collection method: clinical testing. Allele origin: germline.
Comment: This variant is classified as likely benign based on ACMG/AMP sequence variant interpretation guidelines (Richards et al. 2015 PMID: 25741868, with internal and published modifications).

Labcorp Genetics (formerly Invitae), Labcorp
Classification: Benign for 5-Oxoprolinase deficiency. Last evaluated: 2026-01-19. Review status: criteria provided, single submitter. Criteria: Invitae Variant Classification Sherloc (09022015). Collection method: clinical testing. Allele origin: germline.

CeGaT Center for Human Genetics Tuebingen
Classification: Likely benign. Last evaluated: 2025-03-01. Review status: criteria provided, single submitter. Criteria: CeGaT Center For Human Genetics Tuebingen Variant Classification Criteria Version 2. Collection method: clinical testing. Allele origin: germline. Affected: yes. Observed: 1 variant allele.
Comment: OPLAH: BP4, BP7

Blueprint Genetics
Classification: Likely benign. Last evaluated: 2024-11-26. Review status: criteria provided, single submitter. Criteria: ACMG Guidelines, 2015. Collection method: clinical testing. Allele origin: germline.

Fulgent Genetics
Classification: Likely benign for 5-Oxoprolinase deficiency. Last evaluated: 2021-07-26. Review status: criteria provided, single submitter. Criteria: ACMG Guidelines, 2015. Collection method: clinical testing. Allele origin: unknown.